The following is an entry in ClinVar:

NM_000179.3(MSH6):c.3969T>C (p.Phe1323=)

Gene: MSH6 (mutS homolog 6; plus strand). Cytogenetic location: 2p16.3.
Variant type: single nucleotide variant.
Coding change: c.3969T>C on transcript NM_000179.3 (MANE Select); coding-DNA position 3969, T replaced by C.
Protein change: p.Phe1323=; no amino-acid change (phenylalanine 1323 retained).
Molecular consequence: synonymous variant.
Genome position (GRCh38, 1-based): chr2:47,806,619, T>C. VCF-style: chr2-47806619-T-C. GRCh37 (hg19) VCF-style: chr2-48033758-T-C.
Other names: c.3579T>C, p.Phe1193= (NM_001281492.2); c.3063T>C, p.Phe1021= (NM_001281493.2, NM_001281494.2).
Identifiers: ClinVar variation 379034 (VCV000379034.22), dbSNP rs1057520473, ClinGen allele CA16604306.
Genomic context (GRCh38, chr2:47,806,619, plus strand): 5'-AAGGCTTGCTAATCTCCCAGAGGAAGTTATTCAAAAGGGACATAGAAAAGCAAGAGAATT[T>C]GAGAAGATGAATCAGTCACTACGATTATTTCGGTAACTAACTAACTATAATGGAATTATA-3'
Protein context (NP_000170.1, residues 1313-1333): IQKGHRKARE[Phe1323=]EKMNQSLRLF

ClinVar aggregate classification (germline): Benign/Likely benign. Review status: criteria provided, multiple submitters, no conflicts (2 of 4 stars). 6 submissions from 6 submitters: Benign (1); Likely benign (5). Last evaluated 2025-03-04.

Conditions:
Hereditary nonpolyposis colorectal neoplasms. Identifiers: MedGen C0009405, MeSH D003123.
Lynch syndrome 5 (LYNCH5). Also called: Colorectal cancer, hereditary nonpolyposis, type 5; Hereditary non-polyposis colorectal cancer, type 5. Identifiers: Orphanet 144, MedGen C1833477, MONDO:0013710, OMIM 614350. Disease mechanism: loss of function.
Hereditary cancer-predisposing syndrome. Also called: Tumor predisposition; Hereditary neoplastic syndrome; Neoplastic Syndromes, Hereditary; Hereditary Cancer Syndrome. Identifiers: Orphanet 140162, MedGen C0027672, MeSH D009386, MONDO:0015356.

gnomAD v4.1: 1 of 1,612,498 alleles (0.000062%); highest among the groups gnomAD compares: Non-Finnish European, 0.000085%; no homozygotes.

Submissions (6):

Center for Genomic Medicine, Rigshospitalet, Copenhagen University Hospital
Classification: Likely benign. Last evaluated: 2025-03-04. Review status: criteria provided, single submitter. Criteria: ACMG Guidelines, 2015. Collection method: clinical testing. Allele origin: germline.

Myriad Genetics, Inc.
Classification: Benign for Lynch syndrome 5. Last evaluated: 2025-01-08. Review status: criteria provided, single submitter. Criteria: Myriad Autosomal Dominant, Autosomal Recessive and X-Linked Classification Criteria (2023). Collection method: clinical testing. Allele origin: unknown.
Comment: This variant is considered benign. This variant is a silent/synonymous amino acid change and it is not expected to impact splicing.

Ambry Genetics
Classification: Likely benign for Hereditary cancer-predisposing syndrome. Last evaluated: 2024-03-28. Review status: criteria provided, single submitter. Criteria: Ambry Variant Classification Scheme 2023. Collection method: clinical testing. Allele origin: germline.

Labcorp Genetics (formerly Invitae), Labcorp
Classification: Likely benign for Hereditary nonpolyposis colorectal neoplasms. Last evaluated: 2023-12-21. Review status: criteria provided, single submitter. Criteria: Invitae Variant Classification Sherloc (09022015). Collection method: clinical testing. Allele origin: germline.

Color Diagnostics, LLC DBA Color Health
Classification: Likely benign for Hereditary cancer-predisposing syndrome. Last evaluated: 2020-04-06. Review status: criteria provided, single submitter. Criteria: ACMG Guidelines, 2015. Collection method: clinical testing. Allele origin: germline.

GeneDx
Classification: Likely benign. Last evaluated: 2015-11-24. Review status: criteria provided, single submitter. Criteria: GeneDx Variant Classification (06012015). Collection method: clinical testing. Allele origin: germline. Affected: yes.
Comment: This variant is considered likely benign or benign based on one or more of the following criteria: it is a conservative change, it occurs at a poorly conserved position in the protein, it is predicted to be benign by multiple in silico algorithms, and/or has population frequency not consistent with disease.